The following is an entry in ClinVar:

NM_033026.6(PCLO):c.8788G>A (p.Val2930Ile)

Gene: PCLO (piccolo presynaptic cytomatrix protein; minus strand). Cytogenetic location: 7q21.11.
Variant type: single nucleotide variant.
Coding change: c.8788G>A on transcript NM_033026.6 (MANE Select); coding-DNA position 8788, G replaced by A.
Protein change: p.Val2930Ile; replaces valine 2930 with isoleucine.
Molecular consequence: missense variant.
Genome position (GRCh38, 1-based): chr7:82,952,165, C>T on the plus strand (G>A on the coding strand, the complement: PCLO is on the minus strand). VCF-style: chr7-82952165-C-T. GRCh37 (hg19) VCF-style: chr7-82581481-C-T.
Other names: c.8788G>A, p.Val2930Ile (NM_014510.3); short protein forms V2930I.
Identifiers: ClinVar variation 1903998 (VCV001903998.2), dbSNP rs769891041, ClinGen allele CA4320055.

ClinVar aggregate classification (germline): Uncertain significance (1 of 4 stars; one submission).

Allele frequency attached by ClinVar (database versions not stated): ExAC 0.00005.
gnomAD v4.1: 43 of 1,482,486 alleles (0.0029%); highest among the groups gnomAD compares: South Asian, 0.0092%; 1 homozygote.

Submission:

Labcorp Genetics (formerly Invitae), Labcorp
Classification: Uncertain significance. Last evaluated: 2022-06-02. Review status: criteria provided, single submitter. Criteria: Invitae Variant Classification Sherloc (09022015). Collection method: clinical testing. Allele origin: germline.
Comment: This sequence change replaces valine, which is neutral and non-polar, with isoleucine, which is neutral and non-polar, at codon 2930 of the PCLO protein (p.Val2930Ile). This variant is present in population databases (rs769891041, gnomAD 0.02%). This variant has not been reported in the literature in individuals affected with PCLO-related conditions. Algorithms developed to predict the effect of missense changes on protein structure and function are either unavailable or do not agree on the potential impact of this missense change (SIFT: "Deleterious"; PolyPhen-2: "Not Available"; Align-GVGD: "Class C0"). In summary, the available evidence is currently insufficient to determine the role of this variant in disease. Therefore, it has been classified as a Variant of Uncertain Significance.